The following is an entry in ClinVar:

ClinVar aggregate classification (germline): Uncertain significance (1 of 4 stars; one submission).

Conditions:
Inborn genetic diseases. Identifiers: MedGen C0950123, MeSH D030342.

Allele frequency attached by ClinVar (database versions not stated): gnomAD exomes below 0.00001.

Submission:

Ambry Genetics
Classification: Uncertain significance for Inborn genetic diseases. Last evaluated: 2025-10-17. Review status: criteria provided, single submitter. Criteria: Ambry Variant Classification Scheme 2023. Collection method: clinical testing. Allele origin: germline.
Comment: The p.Y783H variant (also known as c.2347T>C), located in coding exon 1 of the SAMD9 gene, results from a T to C substitution at nucleotide position 2347. The tyrosine at codon 783 is replaced by histidine, an amino acid with similar properties. This amino acid position is conserved. In addition, the in silico prediction for this alteration is inconclusive. Based on the available evidence, the clinical significance of this variant remains unclear.

NM_017654.4(SAMD9):c.2347T>C (p.Tyr783His)

Gene: SAMD9 (sterile alpha motif domain containing 9; minus strand). Cytogenetic location: 7q21.2.
Variant type: single nucleotide variant.
Coding change: c.2347T>C on transcript NM_017654.4 (MANE Select); coding-DNA position 2347, T replaced by C.
Protein change: p.Tyr783His; replaces tyrosine 783 with histidine.
Molecular consequence: missense variant.
Genome position (GRCh38, 1-based): chr7:93,103,751, A>G on the plus strand (T>C on the coding strand, the complement: SAMD9 is on the minus strand). VCF-style: chr7-93103751-A-G. GRCh37 (hg19) VCF-style: chr7-92733064-A-G.
Other names: c.2347T>C, p.Tyr783His (NM_001193307.2); short protein forms Y783H.
Identifiers: ClinVar variation 2272024 (VCV002272024.3), dbSNP rs2535358493, ClinGen allele CA368191205.